The following is an entry in ClinVar:

ClinVar aggregate classification (germline): Pathogenic (1 of 4 stars; one submission).

Conditions:
Interstitial lung disease due to ABCA3 deficiency. Also called: PULMONARY ALVEOLAR PROTEINOSIS, CONGENITAL, 3. Identifiers: Orphanet 440402, MedGen C1970456, MONDO:0012582, OMIM 610921.

gnomAD v4.1: 1 of 1,613,368 alleles (0.000062%); highest among the groups gnomAD compares: African/African-American, 0.0013%; no homozygotes.

Submission:

Myriad Genetics, Inc.
Classification: Pathogenic for Interstitial lung disease due to ABCA3 deficiency. Last evaluated: 2025-11-13. Review status: criteria provided, single submitter. Criteria: Myriad Autosomal Dominant, Autosomal Recessive and X-Linked Classification Criteria (2023). Collection method: clinical testing. Allele origin: unknown.
Comment: NM_001089.2(ABCA3):c.4171G>T(E1391*) is expected to be pathogenic in the context of surfactant deficiency, ABCA3-related. This variant is predicted to lead to an abnormal or absent protein product due to the creation of a premature termination codon in ABCA3, a gene where loss-of-function variants are known to be pathogenic. Please note: this variant was assessed in the context of healthy population screening.

NM_001089.3(ABCA3):c.4171G>T (p.Glu1391Ter)

Gene: ABCA3 (ATP binding cassette subfamily A member 3; minus strand). Cytogenetic location: 16p13.3.
Variant type: single nucleotide variant.
Coding change: c.4171G>T on transcript NM_001089.3 (MANE Select); coding-DNA position 4171, G replaced by T.
Protein change: p.Glu1391Ter; replaces glutamic acid 1391 with a stop codon.
Molecular consequence: nonsense.
Genome position (GRCh38, 1-based): chr16:2,281,215, C>A on the plus strand (G>T on the coding strand, the complement: ABCA3 is on the minus strand). VCF-style: chr16-2281215-C-A. GRCh37 (hg19) VCF-style: chr16-2331216-C-A.
Other names: short protein forms E1391*.
Identifiers: ClinVar variation 5015204 (VCV005015204.1).